The following is an entry in ClinVar:

NM_006030.4(CACNA2D2):c.2956A>G (p.Ser986Gly)

Genes: CACNA2D2 (calcium voltage-gated channel auxiliary subunit alpha2delta 2; minus strand), LOC101928965 (uncharacterized LOC101928965; plus strand), LOC127898564 (CYB561D2-LOC101928965; plus strand). Cytogenetic location: 3p21.31.
Variant type: single nucleotide variant.
Coding change: c.2956A>G on transcript NM_006030.4 (MANE Select); coding-DNA position 2956, A replaced by G.
Protein change: p.Ser986Gly; replaces serine 986 with glycine.
Molecular consequence: missense variant. On other transcripts: non-coding transcript variant (2).
Genome position (GRCh38, 1-based): chr3:50,365,648, T>C on the plus strand (A>G on the coding strand, the complement: CACNA2D2 is on the minus strand). VCF-style: chr3-50365648-T-C. GRCh37 (hg19) VCF-style: chr3-50403079-T-C.
Other names: c.2956A>G, p.Ser986Gly (NM_001005505.3); c.2977A>G, p.Ser993Gly (NM_001174051.3); c.2749A>G, p.Ser917Gly (NM_001291101.1); short protein forms S993G, S917G, S986G.
Identifiers: ClinVar variation 1443040 (VCV001443040.8), dbSNP rs1018844429, ClinGen allele CA74606744.

ClinVar aggregate classification (germline): Uncertain significance (1 of 4 stars; one submission).

Conditions:
Developmental and epileptic encephalopathy. Identifiers: MedGen C5779964, MONDO:0100620.

Allele frequency attached by ClinVar (database versions not stated): gnomAD 0.00001.

Submission:

Labcorp Genetics (formerly Invitae), Labcorp
Classification: Uncertain significance for Early-infantile DEE. Last evaluated: 2022-08-09. Review status: criteria provided, single submitter. Criteria: Invitae Variant Classification Sherloc (09022015). Collection method: clinical testing. Allele origin: germline.
Comment: In summary, the available evidence is currently insufficient to determine the role of this variant in disease. Therefore, it has been classified as a Variant of Uncertain Significance. Algorithms developed to predict the effect of missense changes on protein structure and function output the following: SIFT: "Deleterious"; PolyPhen-2: "Probably Damaging"; Align-GVGD: "Class C55". The glycine amino acid residue is found in multiple mammalian species, which suggests that this missense change does not adversely affect protein function. ClinVar contains an entry for this variant (Variation ID: 1443040). This variant has not been reported in the literature in individuals affected with CACNA2D2-related conditions. This variant is present in population databases (no rsID available, gnomAD 0.01%). This sequence change replaces serine, which is neutral and polar, with glycine, which is neutral and non-polar, at codon 986 of the CACNA2D2 protein (p.Ser986Gly).